The following is an entry in ClinVar:

NM_000051.4(ATM):c.7557del (p.Met2520fs)

Genes: ATM (ATM serine/threonine kinase; plus strand), C11orf65 (chromosome 11 open reading frame 65; minus strand). Cytogenetic location: 11q22.3.
Variant type: Deletion.
Coding change: c.7557del on transcript NM_000051.4 (MANE Select); coding-DNA position 7557, one base deleted (T; older notation c.7557delT).
Protein change: p.Met2520fs; shifts the reading frame from methionine 2520.
Molecular consequence: frameshift variant. On other transcripts: non-coding transcript variant (1), intron variant (2).
Genome position (GRCh38, 1-based): chr11:108,331,485, T deleted; the last of 2 consecutive T bases (chr11:108,331,484-108,331,485); deleting either gives the same sequence. VCF-style (leftmost placement, unchanged base first): chr11-108331483-CT-C. GRCh37 (hg19) VCF-style: chr11-108202210-CT-C.
Other names: c.7557del, p.Met2520fs (NM_001351834.2); c.641-22413del (NM_001330368.2); c.*38+3736del (NM_001351110.2); short protein forms M2520fs.
Identifiers: ClinVar variation 3222955 (VCV003222955.1), dbSNP rs2136493530, ClinGen allele CA2825001957.

ClinVar aggregate classification (germline): Pathogenic (1 of 4 stars; one submission).

Conditions:
Hereditary cancer-predisposing syndrome. Also called: Tumor predisposition; Hereditary Cancer Syndrome; Hereditary neoplastic syndrome; Neoplastic Syndromes, Hereditary. Identifiers: Orphanet 140162, MedGen C0027672, MeSH D009386, MONDO:0015356.

Submission:

Ambry Genetics
Classification: Pathogenic for Hereditary cancer-predisposing syndrome. Last evaluated: 2023-12-15. Review status: criteria provided, single submitter. Criteria: Ambry Variant Classification Scheme 2023. Collection method: clinical testing. Allele origin: germline.
Comment: The c.7557delT pathogenic mutation, located in coding exon 50 of the ATM gene, results from a deletion of one nucleotide at nucleotide position 7557, causing a translational frameshift with a predicted alternate stop codon (p.M2520Cfs*12). This variant is considered to be rare based on population cohorts in the Genome Aggregation Database (gnomAD). This alteration is expected to result in loss of function by premature protein truncation or nonsense-mediated mRNA decay. As such, this alteration is interpreted as a disease-causing mutation.